The following is an entry in ClinVar:

NM_025132.4(WDR19):c.2129T>C (p.Leu710Ser)

Gene: WDR19 (WD repeat domain 19; plus strand). Cytogenetic location: 4p14.
Variant type: single nucleotide variant.
Coding change: c.2129T>C on transcript NM_025132.4 (MANE Select); coding-DNA position 2129, T replaced by C.
Protein change: p.Leu710Ser; replaces leucine 710 with serine.
Molecular consequence: missense variant.
Genome position (GRCh38, 1-based): chr4:39,231,943, T>C. VCF-style: chr4-39231943-T-C. GRCh37 (hg19) VCF-style: chr4-39233563-T-C.
Other names: NP_079408.3:p.(Leu710Ser); c.1649T>C, p.Leu550Ser (NM_001317924.2); short protein forms L710S, L550S.
Identifiers: ClinVar variation 30703 (VCV000030703.24), dbSNP rs387906980, ClinGen allele CA199262.

ClinVar aggregate classification (germline): Pathogenic/Likely pathogenic. Review status: criteria provided, multiple submitters, no conflicts (2 of 4 stars). 14 submissions from 13 submitters: Pathogenic (9); Likely pathogenic (1). 4 of the submissions do not count toward it. Last evaluated 2026-02-13.

Conditions:
Asphyxiating thoracic dystrophy 5 (SRTD5). Also called: SHORT-RIB THORACIC DYSPLASIA 5 WITH OR WITHOUT POLYDACTYLY; SHORT-RIB THORACIC DYSPLASIA 5 WITHOUT POLYDACTYLY. Identifiers: Orphanet 474, MedGen C3280598, MONDO:0013717, OMIM 614376.
Senior-Loken syndrome 8 (SLSN8). Identifiers: Orphanet 3156, MedGen C4225376, MONDO:0014579, OMIM 616307.
Connective tissue disorder. Also called: Connective tissue disease. Identifiers: MedGen C0009782, MONDO:0003900.
WDR19-related disorder. Also called: WDR19-related condition; WDR19-related disorders. Identifiers: MedGen CN380161.
Renal dysplasia and retinal aplasia (SLSN). Also called: Senior-Loken syndrome. Identifiers: Orphanet 3156, MedGen C0403553, MONDO:0017842.
Nephronophthisis 13 (NPHP13). Identifiers: Orphanet 655, MedGen C3280612, MONDO:0013718, OMIM 614377.
Cranioectodermal dysplasia 4 (CED4). Identifiers: Orphanet 1515, MedGen C3280616, MONDO:0013719, OMIM 614378.

Allele frequency attached by ClinVar (database versions not stated): ExAC 0.00001; gnomAD exomes 0.00001 and 0.00002; gnomAD 0.00003; TOPMed 0.00003.
gnomAD v4.1: 40 of 1,612,984 alleles (0.0025%); highest among the groups gnomAD compares: Non-Finnish European, 0.0031%; no homozygotes.

Submissions (14):

OLLIN Analises Genomicas, OLLIN
Classification: Likely pathogenic for Nephronophthisis 13. Last evaluated: 2026-02-13. Review status: criteria provided, single submitter. Criteria: ACMG Guidelines 2015 PMID 25741868. Collection method: clinical testing. Allele origin: germline. Observed: 1 variant allele.
Comment: PM2_P, PM3, PP1, PP3_S

GeneDx
Classification: Pathogenic. Last evaluated: 2026-01-22. Review status: criteria provided, single submitter. Criteria: GeneDx Variant Classification Process June 2021. Collection method: clinical testing. Allele origin: germline.
Comment: Published functional studies demonstrate the L710S variant alters subcomplex interaction, demonstrating a damaging effect (PMID: 33517396); In silico analysis supports that this missense variant has a deleterious effect on protein structure/function; Not observed at significant frequency in large population cohorts (gnomAD); This variant is associated with the following publications: (PMID: 27241786, 28559085, 31589614, 36909829, 34906470, 23683095, 33517396, 22019273, 38163131, 38189974, 37230223, 31964843)

Dasa
Classification: Pathogenic. Last evaluated: 2025-12-06. Review status: criteria provided, single submitter. Criteria: DASA Assertion Criteria. Collection method: clinical testing. Allele origin: germline.
Comment: NM_025132.4(WDR19):c.2129T>C (p.Leu710Ser) introduces a leucine-to-serine substitution. Functional studies support a damaging effect on protein function (PMID: 33517396). The variant has been recurrently observed in individuals with ciliopathy-related phenotypes in trans with other pathogenic variants (PMID: 22019273, 23683095, 27241786, 28559085). It is present at low frequency in population datasets. Based on the available data, this variant is classified as pathogenic.

Labcorp Genetics (formerly Invitae), Labcorp
Classification: Pathogenic for Senior-Loken syndrome 8; Asphyxiating thoracic dystrophy 5. Last evaluated: 2025-11-17. Review status: criteria provided, single submitter. Criteria: Invitae Variant Classification Sherloc (09022015). Collection method: clinical testing. Allele origin: germline.
Comment: This sequence change replaces leucine, which is neutral and non-polar, with serine, which is neutral and polar, at codon 710 of the WDR19 protein (p.Leu710Ser). This variant is present in population databases (rs387906980, gnomAD 0.003%). This missense change has been observed in individual(s) with Sensenbrenner syndrome (PMID: 22019273, 23683095, 27241786). In at least one individual the data is consistent with being in trans (on the opposite chromosome) from a pathogenic variant. It has also been observed to segregate with disease in related individuals. ClinVar contains an entry for this variant (Variation ID: 30703). Invitae Evidence Modeling of protein sequence and biophysical properties (such as structural, functional, and spatial information, amino acid conservation, physicochemical variation, residue mobility, and thermodynamic stability) indicates that this missense variant is expected to disrupt WDR19 protein function with a positive predictive value of 95%. For these reasons, this variant has been classified as Pathogenic.

Blueprint Genetics
Classification: Pathogenic for WDR19-related disorders. Last evaluated: 2024-11-17. Review status: criteria provided, single submitter. Criteria: ACMG Guidelines, 2015. Collection method: clinical testing. Allele origin: germline. Affected: yes. Observed: 5 variant alleles.

Ophthalmic Genetics Group, Institute of Molecular and Clinical Ophthalmology Basel
Classification: Pathogenic for Senior-Loken syndrome. Last evaluated: 2023-07-24. Review status: criteria provided, single submitter. Criteria: ACMG Guidelines, 2015. Collection method: research. Allele origin: germline. Affected: yes. Observed: 1 variant allele.
Comment: Clinical significance based on ACMG v2.0

This variant was classified as Pathogenic based on ACMG criteria: PP3, PP5, PM2.

PreventionGenetics, part of Exact Sciences
Classification: Pathogenic for WDR19-related condition. Last evaluated: 2023-07-09. Review status: criteria provided, single submitter. Criteria: ACMG Guidelines, 2015. Collection method: clinical testing. Allele origin: germline.
Comment: The WDR19 c.2129T>C variant is predicted to result in the amino acid substitution p.Leu710Ser. This variant together with another truncating variant has been reported in a patient with syndromic early childhood onset retinal dystrophy (Stone et al. 2017. PubMed ID: 28559085, Supplemental Table S1). In addition, this variant in the compound heterozygous state with another protein truncating variant has been reported in patients with cranioectodermal dysplasia (Sensenbrenner syndrome) (Daoud et al. 2016. PubMed ID: 27241786; Bredrup et al. 2011. PubMed ID: 22019273). This variant is reported in 0.0029% of alleles in individuals of Latino descent in gnomAD. This variant is interpreted as pathogenic.

Ocular Genomics Institute, Massachusetts Eye and Ear
Classification: Pathogenic for Senior-Loken syndrome 8. Last evaluated: 2021-04-08. Review status: criteria provided, single submitter. Criteria: ACMG Guidelines, 2015. Collection method: research. Allele origin: germline. Affected: yes.
Comment: Through a review of available evidence we were able to apply the following criteria: PS4, PM2, PM3, PP1, PP3, PP5. Based on this evidence we have classified this variant as Pathogenic.

Genome Diagnostics Laboratory, The Hospital for Sick Children
Classification: Pathogenic for Connective tissue disorder. Last evaluated: 2021-04-01. Review status: criteria provided, single submitter. Criteria: ACMG Guidelines, 2015. Collection method: clinical testing. Allele origin: germline.

Mendelics
Classification: Pathogenic for Asphyxiating thoracic dystrophy 5. Last evaluated: 2019-05-28. Review status: criteria provided, single submitter. Criteria: Mendelics Assertion Criteria 2017. Collection method: clinical testing. Allele origin: unknown.

OMIM
Classification: Pathogenic for CRANIOECTODERMAL DYSPLASIA 4. Last evaluated: 2013-08-01. Review status: no assertion criteria provided. Collection method: literature only. Allele origin: germline. Not counted in ClinVar's aggregate classification.

OMIM
Classification: Pathogenic for SENIOR-LOKEN SYNDROME 8. Last evaluated: 2013-08-01. Review status: no assertion criteria provided. Collection method: literature only. Allele origin: germline. Not counted in ClinVar's aggregate classification.

Department of Pathology and Laboratory Medicine, Sinai Health System
Classification: Likely pathogenic. Review status: no assertion criteria provided. Collection method: clinical testing. Allele origin: unknown. Affected: yes. Study: The Canadian Open Genetics Repository (COGR). Not counted in ClinVar's aggregate classification.
Comment: The WDR19 p.L710S variant was identified in the literature as a homozygous variant in 2 of 151 families (freq=0.013) with autosomal recessive Retinitis Pigmentosa from Quebec but was not found in 200 French-Canadian controls (Coussa_2013_PMID:23683095). The variant was also identified in two siblings with Sensenbrenner syndrome in the compound heterozygous state with a WDR19 p.R1103* variant with the p.L710S variant inherited from the unaffected father and the p.R1103* variant inherited from the unaffected mother; neither of these variants were identified in 422 controls (Bredrup_2011_PMID:22019273). The variant was identified in dbSNP (ID: rs387906980), ClinVar (classified as pathogenic by OMIM and GeneReviews) and LOVD 3.0 (classified as likely pathogenic). The variant was identified in control databases in 3 of 249208 chromosomes at a frequency of 0.00001204 (Genome Aggregation Database March 6, 2019, v2.1.1). The variant was observed in the following populations: Latino in 1 of 34514 chromosomes (freq: 0.000029) and European (non-Finnish) in 2 of 112986 chromosomes (freq: 0.000018), but was not observed in the African, Ashkenazi Jewish, East Asian, European (Finnish), Other or South Asian populations. The variant occurs outside of the splicing consensus sequence and in silico or computational prediction software programs (SpliceSiteFinder, MaxEntScan, NNSPLICE, GeneSplicer) do not predict a difference in splicing. The p.Leu550 residue is conserved across mammals and other organisms, and four out of five computational analyses (PolyPhen-2, SIFT, AlignGVGD, BLOSUM, MutationTaster) suggest that the variant may impact the protein; however, this information is not predictive enough to assume pathogenicity. In summary, based on the above information the clinical significance of this variant cannot be determined with certainty at this time although we would lean towards a more pathogenic role for this variant. This variant is classified as likely pathogenic.

GeneReviews
No classification provided. Condition: Cranioectodermal dysplasia 4. Review status: no classification provided. Collection method: literature only. Allele origin: unknown. Not counted in ClinVar's aggregate classification.

Literature cited by the submitters: PubMed 22019273 (cited by 5 submitters); PubMed 23683095 (cited by 4 submitters); PubMed 27241786 (cited by 3 submitters); PubMed 28559085 (cited by Dasa); PubMed 33517396 (cited by Dasa and OMIM); PubMed 36909829 (cited by Ophthalmic Genetics Group, Institute of Molecular and Clinical Ophthalmology Basel); PubMed 24027800 (cited by Ocular Genomics Institute, Massachusetts Eye and Ear); PubMed 24027799 (cited by GeneReviews); NCBI Bookshelf NBK154653 (cited by GeneReviews).